The following is an entry in ClinVar:

NM_001267550.2(TTN):c.12401T>A (p.Ile4134Asn)

Gene: TTN (titin; minus strand). Cytogenetic location: 2q31.2.
Variant type: single nucleotide variant.
Coding change: c.12401T>A on transcript NM_001267550.2 (MANE Select); coding-DNA position 12401, T replaced by A.
Protein change: p.Ile4134Asn; replaces isoleucine 4134 with asparagine.
Molecular consequence: missense variant. On other transcripts: intron variant (1).
Genome position (GRCh38, 1-based): chr2:178,740,832, A>T on the plus strand (T>A on the coding strand, the complement: TTN is on the minus strand). VCF-style: chr2-178740832-A-T. GRCh37 (hg19) VCF-style: chr2-179605559-A-T.
Other names: p.I3896N:ATC>AAC; c.11687T>A, p.Ile3896Asn (NM_133432.3); c.11450T>A, p.Ile3817Asn (NM_001256850.1); c.11312T>A, p.Ile3771Asn (NM_003319.4); c.11888T>A, p.Ile3963Asn (NM_133437.4); c.10361-2472T>A (NM_133378.4); c.12401T>A (NM_001267550.1); short protein forms I3896N, I4134N, I3817N, I3771N, I3963N.
Identifiers: ClinVar variation 166238 (VCV000166238.22), dbSNP rs112009206, ClinGen allele CA179032.
Genomic context (GRCh38, chr2:178,740,832, plus strand): 5'-ATCTGCAGCTGTAGGTTGGGAGATGGTTCCTTGAGAGGCTGAAAGTGAATACTGCCATTG[A>T]TGCAAAGAAATTCCCTGGTGCTTTCAGGAGTGAGCTTGTCTTGCTCCAAAATGGATTGCA-3'
Protein context (NP_001254479.2, residues 4124-4144): TPESTREFLC[Ile4134Asn]NGSIHFQPLK

ClinVar aggregate classification (germline): Conflicting classifications of pathogenicity. Review status: criteria provided, conflicting classifications (1 of 4 stars). 10 submissions from 10 submitters: Uncertain significance (2); Benign (1); Likely benign (6). 1 of the submissions does not count toward it. Last evaluated 2026-05-11.

Conditions:
TTN-related disorder. Also called: TTN-related disorders; TTN-related condition; TTN-related disease.
Cardiovascular phenotype. Identifiers: MedGen CN230736.
Cardiomyopathy (CMYO). Also called: Cardiomyopathies. Identifiers: Orphanet 167848, MedGen C0878544, MONDO:0004994, HP:0001638. Inheritance: Various modes of inheritance.

Allele frequency attached by ClinVar (database versions not stated): gnomAD exomes 0.00012; ExAC 0.00017; 1000 Genomes Project 30x 0.00031; 1000 Genomes Project 0.00040; gnomAD 0.00063 and 0.00069; ESP Exome Variant Server 0.00066; TOPMed 0.00068.
gnomAD v4.1: 286 of 1,613,794 alleles (0.018%); highest among the groups gnomAD compares: African/African-American, 0.27%; 6 homozygotes.

Submissions (10):

Women's Health and Genetics/Laboratory Corporation of America, LabCorp
Classification: Likely benign. Last evaluated: 2026-05-11. Review status: criteria provided, single submitter. Criteria: LabCorp Variant Classification Summary - May 2015. Collection method: clinical testing. Allele origin: germline.
Comment: Variant summary: TTN c.10361-2472T>A is located at a position not widely known to affect splicing. This variant corresponds to c.12401T>A (p.Ile4134Asn) in NM_001267550. Consensus agreement among computation tools predict no significant impact on normal splicing. However, these predictions have yet to be confirmed by functional studies. The variant allele was found at a frequency of 0.00012 in 248172 control chromosomes, predominantly at a frequency of 0.0018 within the African or African-American subpopulation in the gnomAD database. The observed variant frequency within African or African-American control individuals in the gnomAD database exceeds the estimated maximal expected allele frequency for disease-causing variants in TTN. c.10361-2472T>A has been observed in at least 1 individual(s) affected with ARVC, without strong evidence for causality (example, Ceyhan-Birsoy_2016). These report(s) do not provide unequivocal conclusions about association of the variant with Autosomal Recessive Titinopathy. To our knowledge, no experimental evidence demonstrating an impact on protein function has been reported. The following publication has been ascertained in the context of this evaluation (PMID: 27066507). ClinVar contains an entry for this variant (Variation ID: 166238). Based on the evidence outlined above, the variant was classified as likely benign.

Molecular Diagnostic Laboratory for Inherited Cardiovascular Disease, Montreal Heart Institute
Classification: Likely benign. Last evaluated: 2025-07-24. Review status: criteria provided, single submitter. Criteria: ACMG Guidelines, 2015. Collection method: clinical testing. Allele origin: germline. Affected: no.
Comment: BS1;BP1

Athena Diagnostics
Classification: Likely benign. Last evaluated: 2025-03-26. Review status: criteria provided, single submitter. Criteria: Athena Diagnostics Criteria. Collection method: clinical testing. Allele origin: unknown.
Comment: The frequency of this variant in the general population is higher than would generally be expected for pathogenic variants in this gene. Computational tools predict this amino acid change may be benign.

Blueprint Genetics
Classification: Likely benign. Last evaluated: 2024-08-06. Review status: criteria provided, single submitter. Criteria: ACMG Guidelines, 2015. Collection method: clinical testing. Allele origin: germline.

CHEO Genetics Diagnostic Laboratory, Children's Hospital of Eastern Ontario
Classification: Benign for Cardiomyopathy. Last evaluated: 2020-12-09. Review status: criteria provided, single submitter. Criteria: ACMG Guidelines, 2015. Collection method: clinical testing. Allele origin: germline.

GeneDx
Classification: Likely benign. Last evaluated: 2020-03-18. Review status: criteria provided, single submitter. Criteria: GeneDx Variant Classification Process June 2021. Collection method: clinical testing. Allele origin: germline. Affected: yes.

Ambry Genetics
Classification: Likely benign for Cardiovascular phenotype. Last evaluated: 2019-05-24. Review status: criteria provided, single submitter. Criteria: Ambry Variant Classification Scheme 2023. Collection method: clinical testing. Allele origin: germline.

Eurofins Ntd Llc (ga)
Classification: Uncertain significance. Last evaluated: 2017-11-27. Review status: criteria provided, single submitter. Criteria: EGL Classification Definitions 2015. Collection method: clinical testing. Allele origin: germline. Observed: 5 variant alleles, 5 heterozygotes.

Laboratory for Molecular Medicine, Mass General Brigham Personalized Medicine
Classification: Uncertain significance. Last evaluated: 2013-10-14. Review status: criteria provided, single submitter. Criteria: LMM Criteria. Collection method: clinical testing. Allele origin: germline. Observed: 2 variant alleles.
Comment: Variant classified as Uncertain Significance - Favor Benign. The Ile3896Asn vari ant in TTN has not been previously reported in individuals with cardiomyopathy, but has been identified in 0.2% (8/3882) of African American chromosomes by the NHLBI Exome Sequencing Project (dbSNP rs11200 9206). Computational analyses are limited or unavailable for this variant. While this frequency suggests that this variant is more likely benign, it is too low to confidently rule out a disease-causing role. Additional information is needed to fully assess its clinical significance.

PreventionGenetics, part of Exact Sciences
Classification: Likely benign for TTN-related condition. Last evaluated: 2023-05-08. Review status: no assertion criteria provided. Collection method: clinical testing. Allele origin: germline. Not counted in ClinVar's aggregate classification.
Comment: This variant is classified as likely benign based on ACMG/AMP sequence variant interpretation guidelines (Richards et al. 2015 PMID: 25741868, with internal and published modifications).

Literature cited by the submitters: PubMed 27066507 (cited by Women's Health and Genetics/Laboratory Corporation of America, LabCorp).